The following is an entry in ClinVar:

NM_001042681.2(RERE):c.4654G>T (p.Glu1552Ter)

Gene: RERE (arginine-glutamic acid dipeptide repeats; minus strand). Cytogenetic location: 1p36.23.
Variant type: single nucleotide variant.
Coding change: c.4654G>T on transcript NM_001042681.2 (MANE Select); coding-DNA position 4654, G replaced by T.
Protein change: p.Glu1552Ter; replaces glutamic acid 1552 with a stop codon.
Molecular consequence: nonsense.
Genome position (GRCh38, 1-based): chr1:8,355,432, C>A on the plus strand (G>T on the coding strand, the complement: RERE is on the minus strand). VCF-style: chr1-8355432-C-A. GRCh37 (hg19) VCF-style: chr1-8415492-C-A.
Other names: c.2992G>T, p.Glu998Ter (NM_001042682.2); c.4654G>T, p.Glu1552Ter (NM_012102.4); short protein forms E1552*, E998*.
Identifiers: ClinVar variation 4795729 (VCV004795729.1).

ClinVar aggregate classification (germline): Uncertain significance (1 of 4 stars; one submission).

Submission:

GeneDx
Classification: Uncertain significance. Last evaluated: 2025-08-09. Review status: criteria provided, single submitter. Criteria: GeneDx Variant Classification Process June 2021. Collection method: clinical testing. Allele origin: germline. Affected: yes.
Comment: Nonsense variant predicted to result in protein truncation as the last 15 amino acid(s) are lost with an unclear effect on protein function; Not observed at significant frequency in large population cohorts (gnomAD); Has not been previously published as pathogenic or benign to our knowledge